The following is an entry in ClinVar:

NM_002224.4(ITPR3):c.6281A>C (p.Lys2094Thr)

Gene: ITPR3 (inositol 1,4,5-trisphosphate receptor type 3; plus strand). Cytogenetic location: 6p21.31.
Variant type: single nucleotide variant.
Coding change: c.6281A>C on transcript NM_002224.4 (MANE Select); coding-DNA position 6281, A replaced by C.
Protein change: p.Lys2094Thr; replaces lysine 2094 with threonine.
Molecular consequence: missense variant.
Genome position (GRCh38, 1-based): chr6:33,688,073, A>C. VCF-style: chr6-33688073-A-C. GRCh37 (hg19) VCF-style: chr6-33655850-A-C.
Other names: short protein forms K2094T.
Identifiers: ClinVar variation 1809858 (VCV001809858.1), dbSNP rs2533157836, ClinGen allele CA363711393.

ClinVar aggregate classification (germline): Uncertain significance (1 of 4 stars; one submission).

Submission:

GeneDx
Classification: Uncertain significance. Last evaluated: 2022-06-30. Review status: criteria provided, single submitter. Criteria: GeneDx Variant Classification Process June 2021. Collection method: clinical testing. Allele origin: germline. Affected: yes.
Comment: Not observed at significant frequency in large population cohorts (gnomAD); In silico analysis supports that this missense variant does not alter protein structure/function; Has not been previously published as pathogenic or benign to our knowledge.